The following is an entry in ClinVar:

NM_000455.5(STK11):c.911G>A (p.Arg304Gln)

Gene: STK11 (serine/threonine kinase 11; plus strand). Cytogenetic location: 19p13.3.
Variant type: single nucleotide variant.
Coding change: c.911G>A on transcript NM_000455.5 (MANE Select); coding-DNA position 911, G replaced by A.
Protein change: p.Arg304Gln; replaces arginine 304 with glutamine.
Molecular consequence: missense variant.
Genome position (GRCh38, 1-based): chr19:1,221,997, G>A. VCF-style: chr19-1221997-G-A. GRCh37 (hg19) VCF-style: chr19-1221996-G-A.
Other names: short protein forms R304Q.
Identifiers: ClinVar variation 419419 (VCV000419419.34), dbSNP rs376280361, ClinGen allele CA049492.

ClinVar aggregate classification (germline): Conflicting classifications of pathogenicity. Review status: criteria provided, conflicting classifications (1 of 4 stars). 12 submissions from 12 submitters: Uncertain significance (11); Likely benign (1). Last evaluated 2026-04-09.

Conditions:
STK11-related disorder. Also called: STK11-related condition.
Familial pancreatic carcinoma. Identifiers: Orphanet 1333, MedGen C2931038, MONDO:0015278, OMIM 260350.
Germ cell tumor of testis (TGCT). Also called: Testicular germ cell tumor; GERM CELL TUMOR, SOMATIC. Identifiers: Orphanet 363504, MedGen C1336708, MONDO:0010108, OMIM 273300.
Peutz-Jeghers syndrome (PJS). Also called: Peutz-Jeghers polyposis; Periorificial lentiginosis syndrome; POLYPOSIS, HAMARTOMATOUS INTESTINAL; POLYPS-AND-SPOTS SYNDROME. Identifiers: Orphanet 2869, MedGen C0031269, MeSH D010580, MONDO:0008280, OMIM 175200.
Melanoma, cutaneous malignant, susceptibility to, 1 (CMM1). Also called: MELANOMA, MALIGNANT; B-K MOLE SYNDROME; DYSPLASTIC NEVUS SYNDROME, HEREDITARY; FAMILIAL ATYPICAL MOLE-MALIGNANT MELANOMA SYNDROME. Identifiers: Orphanet 618, MedGen C1835047, MONDO:0007963, OMIM 155600.
Hereditary cancer-predisposing syndrome. Also called: Hereditary Cancer Syndrome; Tumor predisposition; Hereditary neoplastic syndrome; Neoplastic Syndromes, Hereditary. Identifiers: Orphanet 140162, MedGen C0027672, MeSH D009386, MONDO:0015356.

Allele frequency attached by ClinVar (database versions not stated): gnomAD 0.00003; gnomAD exomes 0.00004; TOPMed 0.00002; ESP Exome Variant Server 0.00017; ExAC 0.00004.
gnomAD v4.1: 29 of 1,570,750 alleles (0.0018%); highest among the groups gnomAD compares: Middle Eastern, 0.017%; no homozygotes.

Submissions (12):

Ambry Genetics
Classification: Uncertain significance for Hereditary cancer-predisposing syndrome. Last evaluated: 2026-04-09. Review status: criteria provided, single submitter. Criteria: Ambry Variant Classification Scheme 2023. Collection method: clinical testing. Allele origin: germline.
Comment: The p.R304Q variant (also known as c.911G>A), located in coding exon 7 of the STK11 gene, results from a G to A substitution at nucleotide position 911. The arginine at codon 304 is replaced by glutamine, an amino acid with highly similar properties. This variant has been detected in breast cancer cohorts (Dorling et al. N Engl J Med. 2021 02;384:428-439; Guindalini RSC et al. Sci Rep, 2022 Mar;12:4190). This amino acid position is highly conserved in available vertebrate species. In addition, the in silico prediction for this alteration is inconclusive. Based on the available evidence, the clinical significance of this variant remains unclear.

Center for Genomic Medicine, Rigshospitalet, Copenhagen University Hospital
Classification: Uncertain significance. Last evaluated: 2025-12-29. Review status: criteria provided, single submitter. Criteria: ACMG Guidelines, 2015. Collection method: clinical testing. Allele origin: germline.

Labcorp Genetics (formerly Invitae), Labcorp
Classification: Likely benign for Peutz-Jeghers syndrome. Last evaluated: 2025-11-22. Review status: criteria provided, single submitter. Criteria: Invitae Variant Classification Sherloc (09022015). Collection method: clinical testing. Allele origin: germline.

Dasa
Classification: Uncertain significance. Last evaluated: 2025-10-20. Review status: criteria provided, single submitter. Criteria: DASA Assertion Criteria. Collection method: clinical testing. Allele origin: germline.
Comment: NM_000455.5(STK11):c.911G>A (p.Arg304Gln) is a missense variant that results in the substitution of arginine with glutamine. The affected residue or protein region has prior evidence supporting clinical relevance. This variant is rare in population databases. The currently available literature and clinical evidence are not sufficient to establish a definitive association between this variant and the reported condition. Therefore, this variant is classified as a variant of uncertain significance.

GeneDx
Classification: Uncertain significance. Last evaluated: 2023-11-29. Review status: criteria provided, single submitter. Criteria: GeneDx Variant Classification Process June 2021. Collection method: clinical testing. Allele origin: germline. Affected: yes.
Comment: In silico analysis supports that this missense variant does not alter protein structure/function; This variant is associated with the following publications: (PMID: 9809980, 17404884, 15121768, 12865922, 12552571, 10441497, 35264596, 15863673, 33471991)

All of Us Research Program, National Institutes of Health
Classification: Uncertain significance for Peutz-Jeghers syndrome. Last evaluated: 2023-10-27. Review status: criteria provided, single submitter. Criteria: ACMG Guidelines, 2015. Collection method: clinical testing. Allele origin: germline. Inheritance: Autosomal dominant inheritance. Observed: 4 variant alleles, 4 heterozygotes.
Comment: This missense variant replaces arginine with glutamine at codon 304 of the STK11 protein. Computational prediction is inconclusive regarding the impact of this variant on protein structure and function (internally defined REVEL score threshold 0.5 < inconclusive < 0.7, PMID: 27666373). To our knowledge, functional studies have not been reported for this variant. This variant has not been reported in individuals affected with STK11-related disorders in the literature. This variant has been identified in 7/180804 chromosomes in the general population by the Genome Aggregation Database (gnomAD). Different missense variants occurring at the same position, p.Arg304Trp and p.Arg304Pro, are known to be pathogenic (Clinvar variation ID: 183802, 428783), indicating that arginine at this position is important for STK11 function. Due to the lack of clinical data, the available evidence is insufficient to determine the role of this variant in disease conclusively. Therefore, this variant is classified as a Variant of Uncertain Significance.

This study involves interpretation of variants in research participants for the purpose of population health screening. Participant phenotype was not available at the time of variant classification. Additional details can be found in publication PMID: 35346344, PMCID: PMC8962531

Color Diagnostics, LLC DBA Color Health
Classification: Uncertain significance for Hereditary cancer-predisposing syndrome. Last evaluated: 2023-09-27. Review status: criteria provided, single submitter. Criteria: ACMG Guidelines, 2015. Collection method: clinical testing. Allele origin: germline.
Comment: This missense variant replaces arginine with glutamine at codon 304 of the STK11 protein. Computational prediction is inconclusive regarding the impact of this variant on protein structure and function (internally defined REVEL score threshold 0.5 < inconclusive < 0.7, PMID: 27666373). To our knowledge, functional studies have not been reported for this variant. This variant has not been reported in individuals affected with STK11-related disorders in the literature. This variant has been identified in 7/180804 chromosomes in the general population by the Genome Aggregation Database (gnomAD). Different missense variants occurring at the same position, p.Arg304Trp and p.Arg304Pro, are known to be pathogenic (Clinvar variation ID: 183802, 428783), indicating that arginine at this position is important for STK11 function. Due to the lack of clinical data, the available evidence is insufficient to determine the role of this variant in disease conclusively. Therefore, this variant is classified as a Variant of Uncertain Significance.

PreventionGenetics, part of Exact Sciences
Classification: Uncertain significance for STK11-related condition. Last evaluated: 2023-09-05. Review status: criteria provided, single submitter. Criteria: ACMG Guidelines, 2015. Collection method: clinical testing. Allele origin: germline.
Comment: The STK11 c.911G>A variant is predicted to result in the amino acid substitution p.Arg304Gln. This variant was reported in an individual with breast cancer and interpreted as uncertain (Table S3 Guindalini et al 2022. PubMed ID: 35264596). Two different missense change at the same amino acid position, c.910C>T (Arg304Trp) and c.911G>C (Arg304Pro), have been reported in patients with colon cancer and Peutz-Jeghers Syndrome (Resta et al. 1998. PubMed ID: 9809980; Boudeau et al. 2003. PubMed ID: 12552571; Mehenni et al. 2007. PubMed ID: 17404884, Aretz et al. 2005. PubMed ID: 16287113, Jiang et al. 2018. PubMed ID: 30092773). The c.911G>A variant is reported in 0.018% of alleles in individuals of European (Finnish) descent in gnomAD. At this time, the clinical significance of this variant is uncertain due to the absence of conclusive functional and genetic evidence.

Genome-Nilou Lab
Classification: Uncertain significance for Peutz-Jeghers syndrome. Last evaluated: 2021-07-15. Review status: criteria provided, single submitter. Criteria: ACMG Guidelines, 2015. Collection method: clinical testing. Allele origin: germline. Affected: no.

Department of Pathology and Laboratory Medicine, Sinai Health System
Classification: Uncertain significance for Melanoma, cutaneous malignant, susceptibility to, 1; Peutz-Jeghers syndrome; Familial pancreatic carcinoma; Germ cell tumor of testis. Last evaluated: 2021-06-15. Review status: criteria provided, single submitter. Criteria: ACMG Guidelines, 2015. Collection method: clinical testing. Allele origin: germline. Affected: yes.

Quest Diagnostics Nichols Institute San Juan Capistrano
Classification: Uncertain significance. Last evaluated: 2020-07-19. Review status: criteria provided, single submitter. Criteria: Quest Diagnostics criteria. Collection method: clinical testing. Allele origin: unknown.

Mendelics
Classification: Uncertain significance for Peutz-Jeghers syndrome. Last evaluated: 2018-07-02. Review status: criteria provided, single submitter. Criteria: Mendelics Assertion Criteria 2017. Collection method: clinical testing. Allele origin: unknown.

Literature cited by the submitters: PubMed 33471991 (cited by Ambry Genetics and Department of Pathology and Laboratory Medicine, Sinai Health System); PubMed 35264596 (cited by Ambry Genetics and Center for Genomic Medicine, Rigshospitalet, Copenhagen University Hospital); PubMed 12552571 (cited by Center for Genomic Medicine, Rigshospitalet, Copenhagen University Hospital); PubMed 17404884 (cited by Center for Genomic Medicine, Rigshospitalet, Copenhagen University Hospital).